The following is an entry in ClinVar:

NM_001142966.3(GREB1L):c.3323A>G (p.Asp1108Gly)

Gene: GREB1L (GREB1 like retinoic acid receptor coactivator; plus strand). Cytogenetic location: 18q11.1.
Variant type: single nucleotide variant.
Coding change: c.3323A>G on transcript NM_001142966.3 (MANE Select); coding-DNA position 3323, A replaced by G.
Protein change: p.Asp1108Gly; replaces aspartic acid 1108 with glycine.
Molecular consequence: missense variant.
Genome position (GRCh38, 1-based): chr18:21,496,630, A>G. VCF-style: chr18-21496630-A-G. GRCh37 (hg19) VCF-style: chr18-19076591-A-G.
Other names: c.3452A>G, p.Asp1151Gly (NM_001410867.1); c.2996A>G, p.Asp999Gly (NM_001410868.1); short protein forms D1108G, D1151G, D999G.
Identifiers: ClinVar variation 2635979 (VCV002635979.8), dbSNP rs146983775, ClinGen allele CA8906572.
Genomic context (GRCh38, chr18:21,496,630, plus strand): 5'-CCACTGTTGCCCTGGACCTCAGCGGGAAGGAGCAGGAGAGAGCTGCTGTCAGTGAGAATG[A>G]CTCCGATGAGCTGCTCATCGACCTGGAGCGGCCCCAGAGCAACAGCAGCGCTGTCACAGG-3'
Protein context (NP_001136438.1, residues 1098-1118): EQERAAVSEN[Asp1108Gly]SDELLIDLER

ClinVar aggregate classification (germline): Conflicting classifications of pathogenicity. Review status: criteria provided, conflicting classifications (1 of 4 stars). 3 submissions from 3 submitters: Uncertain significance (2); Likely benign (1). Last evaluated 2025-11-05.

Conditions:
GREB1L-related disorder. Also called: GREB1L-related condition.

Allele frequency attached by ClinVar (database versions not stated): 1000 Genomes Project 30x 0.00016; 1000 Genomes Project 0.00020; TOPMed 0.00021; gnomAD 0.00023; ExAC 0.00029; gnomAD exomes 0.00048.
gnomAD v4.1: 702 of 1,551,550 alleles (0.045%); highest among the groups gnomAD compares: Non-Finnish European, 0.055%; no homozygotes.

Submissions (3):

PreventionGenetics, part of Exact Sciences
Classification: Uncertain significance for GREB1L-related condition. Last evaluated: 2025-11-05. Review status: criteria provided, single submitter. Criteria: ACMG Guidelines, 2015. Collection method: clinical testing. Allele origin: germline.
Comment: The GREB1L c.3323A>G variant is predicted to result in the amino acid substitution p.Asp1108Gly. To our knowledge, this variant has not been reported in the literature. This variant is reported in 0.040% of alleles in individuals of European (Finnish) descent in gnomAD. Although we suspect that this variant may be benign, at this time, the clinical significance of this variant is uncertain due to the absence of conclusive functional and genetic evidence.

Blueprint Genetics
Classification: Likely benign. Last evaluated: 2024-03-25. Review status: criteria provided, single submitter. Criteria: ACMG Guidelines, 2015. Collection method: clinical testing. Allele origin: germline.

Labcorp Genetics (formerly Invitae), Labcorp
Classification: Uncertain significance. Last evaluated: 2023-03-20. Review status: criteria provided, single submitter. Criteria: Invitae Variant Classification Sherloc (09022015). Collection method: clinical testing. Allele origin: germline.
Comment: In summary, the available evidence is currently insufficient to determine the role of this variant in disease. Therefore, it has been classified as a Variant of Uncertain Significance. Algorithms developed to predict the effect of missense changes on protein structure and function output the following: SIFT: "Not Available"; PolyPhen-2: "Benign"; Align-GVGD: "Not Available". The glycine amino acid residue is found in multiple mammalian species, which suggests that this missense change does not adversely affect protein function. This variant has not been reported in the literature in individuals affected with GREB1L-related conditions. This variant is present in population databases (rs146983775, gnomAD 0.04%), and has an allele count higher than expected for a pathogenic variant. This sequence change replaces aspartic acid, which is acidic and polar, with glycine, which is neutral and non-polar, at codon 1108 of the GREB1L protein (p.Asp1108Gly).